The following is an entry in ClinVar:

ClinVar aggregate classification (germline): Uncertain significance. Review status: criteria provided, multiple submitters, no conflicts (2 of 4 stars). 4 submissions from 4 submitters: Uncertain significance (4). Last evaluated 2026-05-26.

Conditions:
Catecholaminergic polymorphic ventricular tachycardia (CVPT). Also called: Catecholamine-induced polymorphic ventricular tachycardia. Identifiers: Orphanet 3286, MedGen C5574922, MONDO:0017990.
Cardiomyopathy (CMYO). Also called: Cardiomyopathies. Identifiers: Orphanet 167848, MedGen C0878544, MONDO:0004994, HP:0001638. Inheritance: Various modes of inheritance.
Cardiovascular phenotype. Identifiers: MedGen CN230736.
Catecholaminergic polymorphic ventricular tachycardia 1. Also called: VENTRICULAR TACHYCARDIA, STRESS-INDUCED POLYMORPHIC 1; VENTRICULAR TACHYCARDIA, CATECHOLAMINERGIC POLYMORPHIC, 1, WITH OR WITHOUT ATRIAL DYSFUNCTION AND/OR DILATED CARDIOMYOPATHY; RYR2-Related Catecholaminergic Polymorphic Ventricular Tachycardia. Identifiers: Orphanet 3286, MedGen C1631597, MONDO:0011484, OMIM 604772.

Allele frequency attached by ClinVar (database versions not stated): ExAC 0.00002; gnomAD 0.00001; TOPMed 0.00001; gnomAD exomes 0.00002.
gnomAD v4.1: 34 of 1,613,706 alleles (0.0021%); highest among the groups gnomAD compares: South Asian, 0.0077%; no homozygotes.

Submissions (4):

Ambry Genetics
Classification: Uncertain significance for Cardiovascular phenotype. Last evaluated: 2026-05-26. Review status: criteria provided, single submitter. Criteria: Ambry Variant Classification Scheme 2023. Collection method: clinical testing. Allele origin: germline.
Comment: The p.Y725C variant (also known as c.2174A>G), located in coding exon 20 of the RYR2 gene, results from an A to G substitution at nucleotide position 2174. The tyrosine at codon 725 is replaced by cysteine, an amino acid with highly dissimilar properties. This amino acid position is highly conserved in available vertebrate species. In addition, the in silico prediction for this alteration is inconclusive. Based on the available evidence, the clinical significance of this variant remains unclear.

Color Diagnostics, LLC DBA Color Health
Classification: Uncertain significance for Cardiomyopathy. Last evaluated: 2025-01-21. Review status: criteria provided, single submitter. Criteria: ACMG Guidelines, 2015. Collection method: clinical testing. Allele origin: germline.
Comment: This missense variant replaces tyrosine with cysteine at codon 725 of the RYR2 protein. Computational prediction is inconclusive regarding the impact of this variant on protein structure and function. To our knowledge, functional studies have not been reported for this variant. This variant has not been reported in individuals affected with RYR2-related disorders in the literature. This variant has been identified in 5/248770 chromosomes in the general population by the Genome Aggregation Database (gnomAD). The available evidence is insufficient to determine the role of this variant in disease conclusively. Therefore, this variant is classified as a Variant of Uncertain Significance.

All of Us Research Program, National Institutes of Health
Classification: Uncertain significance for Catecholaminergic polymorphic ventricular tachycardia. Last evaluated: 2023-09-17. Review status: criteria provided, single submitter. Criteria: ACMG Guidelines, 2015. Collection method: clinical testing. Allele origin: germline. Inheritance: Autosomal dominant inheritance. Observed: 2 variant alleles, 2 heterozygotes.
Comment: This missense variant replaces tyrosine with cysteine at codon 725 of the RYR2 protein. Computational prediction is inconclusive regarding the impact of this variant on protein structure and function (internally defined REVEL score threshold 0.5 < inconclusive < 0.7, PMID: 27666373). Splice site prediction tools suggest that this variant may not impact RNA splicing. To our knowledge, functional studies have not been performed for this variant. This variant has not been reported in individuals affected with cardiovascular disorders in the literature. This variant has been identified in 5/248770 chromosomes in the general population by the Genome Aggregation Database (gnomAD). The available evidence is insufficient to determine the role of this variant in disease conclusively. Therefore, this variant is classified as a Variant of Uncertain Significance.

This study involves interpretation of variants in research participants for the purpose of population health screening. Participant phenotype was not available at the time of variant classification. Additional details can be found in publication PMID: 35346344, PMCID: PMC8962531

Labcorp Genetics (formerly Invitae), Labcorp
Classification: Uncertain significance for Catecholaminergic polymorphic ventricular tachycardia 1. Last evaluated: 2023-06-15. Review status: criteria provided, single submitter. Criteria: Invitae Variant Classification Sherloc (09022015). Collection method: clinical testing. Allele origin: germline.
Comment: Advanced modeling of protein sequence and biophysical properties (such as structural, functional, and spatial information, amino acid conservation, physicochemical variation, residue mobility, and thermodynamic stability) has been performed at Invitae for this missense variant, however the output from this modeling did not meet the statistical confidence thresholds required to predict the impact of this variant on RYR2 protein function. ClinVar contains an entry for this variant (Variation ID: 925583). This variant has not been reported in the literature in individuals affected with RYR2-related conditions. This variant is present in population databases (rs776700027, gnomAD 0.01%). This sequence change replaces tyrosine, which is neutral and polar, with cysteine, which is neutral and slightly polar, at codon 725 of the RYR2 protein (p.Tyr725Cys). In summary, the available evidence is currently insufficient to determine the role of this variant in disease. Therefore, it has been classified as a Variant of Uncertain Significance.

NM_001035.3(RYR2):c.2174A>G (p.Tyr725Cys)

Gene: RYR2 (ryanodine receptor 2; plus strand). Cytogenetic location: 1q43.
Variant type: single nucleotide variant.
Coding change: c.2174A>G on transcript NM_001035.3 (MANE Select); coding-DNA position 2174, A replaced by G.
Protein change: p.Tyr725Cys; replaces tyrosine 725 with cysteine.
Molecular consequence: missense variant.
Genome position (GRCh38, 1-based): chr1:237,496,723, A>G. VCF-style: chr1-237496723-A-G. GRCh37 (hg19) VCF-style: chr1-237660023-A-G.
Other names: c.2174A>G (NM_001035.2); short protein forms Y725C.
Identifiers: ClinVar variation 925583 (VCV000925583.14), dbSNP rs776700027, ClinGen allele CA085963.
Genomic context (GRCh38, chr1:237,496,723, plus strand): 5'-CCTACCCTGGAGGGGGCGAAGAGTGGGGTGGAAATGGTGTTGGAGATGATCTCTTCTCCT[A>G]TGGATTTGATGGCCTTCATCTCTGGTCAGGTACGTACTATCCATTTTCTTTCACCGTGTT-3'
Protein context (NP_001026.2, residues 715-735): GNGVGDDLFS[Tyr725Cys]GFDGLHLWSG